The following is an entry in ClinVar:

NM_015047.3(EMC1):c.2261G>T (p.Arg754Leu)

Genes: EMC1 (ER membrane protein complex subunit 1; minus strand), EMC1-AS1 (EMC1 antisense RNA 1; plus strand). Cytogenetic location: 1p36.13.
Variant type: single nucleotide variant.
Coding change: c.2261G>T on transcript NM_015047.3 (MANE Select); coding-DNA position 2261, G replaced by T.
Protein change: p.Arg754Leu; replaces arginine 754 with leucine.
Molecular consequence: missense variant.
Genome position (GRCh38, 1-based): chr1:19,223,511, C>A on the plus strand (G>T on the coding strand, the complement: EMC1 is on the minus strand). VCF-style: chr1-19223511-C-A. GRCh37 (hg19) VCF-style: chr1-19550005-C-A.
Other names: c.2258G>T, p.Arg753Leu (NM_001271427.2, NM_001271428.2); c.2195G>T, p.Arg732Leu (NM_001271429.2); c.2270G>T, p.Arg757Leu (NM_001375820.1); c.2267G>T, p.Arg756Leu (NM_001375821.1); c.2261G>T (NM_015047.1); short protein forms R754L, R756L, R753L, R757L, R732L.
Identifiers: ClinVar variation 1407824 (VCV001407824.9), dbSNP rs971300635, ClinGen allele CA18810988.
Genomic context (GRCh38, chr1:19,223,511, plus strand): 5'-ACAGAGGAGTGAATGATACGCCCAGTGACGCCATCAATGAGGAAGATGCCAATAAAGGTG[C>A]GCTCATGGTGCGCGTCTGTGCTCTCTGTCACCACGGCCAGCAGGTTGGGGTTCAGGCTCT-3'
Protein context (NP_055862.1, residues 744-764): VTESTDAHHE[Arg754Leu]TFIGIFLIDG

ClinVar aggregate classification (germline): Uncertain significance. Review status: criteria provided, multiple submitters, no conflicts (2 of 4 stars). 2 submissions from 2 submitters: Uncertain significance (2). Last evaluated 2025-10-21.

Conditions:
Inborn genetic diseases. Identifiers: MedGen C0950123, MeSH D030342.

gnomAD v4.1: 1 of 1,614,120 alleles (0.000062%); no homozygotes.

Submissions (2):

Labcorp Genetics (formerly Invitae), Labcorp
Classification: Uncertain significance. Last evaluated: 2025-10-21. Review status: criteria provided, single submitter. Criteria: Invitae Variant Classification Sherloc (09022015). Collection method: clinical testing. Allele origin: germline.
Comment: This sequence change replaces arginine, which is basic and polar, with leucine, which is neutral and non-polar, at codon 754 of the EMC1 protein (p.Arg754Leu). This variant is not present in population databases (gnomAD no frequency). This variant has not been reported in the literature in individuals affected with EMC1-related conditions. ClinVar contains an entry for this variant (Variation ID: 1407824). Invitae Evidence Modeling of protein sequence and biophysical properties (such as structural, functional, and spatial information, amino acid conservation, physicochemical variation, residue mobility, and thermodynamic stability) indicates that this missense variant is expected to disrupt EMC1 protein function with a positive predictive value of 80%. In summary, the available evidence is currently insufficient to determine the role of this variant in disease. Therefore, it has been classified as a Variant of Uncertain Significance.

Ambry Genetics
Classification: Uncertain significance for Inborn genetic diseases. Last evaluated: 2024-01-17. Review status: criteria provided, single submitter. Criteria: Ambry Variant Classification Scheme 2023. Collection method: clinical testing. Allele origin: germline.